The following is an entry in ClinVar:

NM_000529.2(MC2R):c.*2065G>A

Gene: MC2R (melanocortin 2 receptor; minus strand). Cytogenetic location: 18p11.21.
Variant type: single nucleotide variant.
Coding change: c.*2065G>A on transcript NM_000529.2 (MANE Select); 2065 bases downstream of the stop codon, G replaced by A.
Molecular consequence: 3 prime UTR variant.
Genome position (GRCh38, 1-based): chr18:13,882,560, C>T on the plus strand (G>A on the coding strand, the complement: MC2R is on the minus strand). VCF-style: chr18-13882560-C-T. GRCh37 (hg19) VCF-style: chr18-13882559-C-T.
Other names: c.*2065G>A (NM_001291911.1).
Identifiers: ClinVar variation 891402 (VCV000891402.4), dbSNP rs193046675, ClinGen allele CA296827608.

ClinVar aggregate classification (germline): Likely benign (1 of 4 stars; one submission).

Conditions:
Glucocorticoid deficiency 1 (GCCD1). Also called: Glucocorticoid deficiency, due to ACTH unresponsiveness; Adrenal unresponsiveness to acth; FAMILIAL GLUCOCORTICOID DEFICIENCY 1. Identifiers: Orphanet 361, MedGen C4049650, MONDO:0024536, OMIM 202200.

Allele frequency attached by ClinVar (database versions not stated): TOPMed 0.00039; gnomAD 0.00053 and 0.00069; 1000 Genomes Project 0.00200; 1000 Genomes Project 30x 0.00219.

Submission:

Illumina Laboratory Services, Illumina
Classification: Likely benign for Glucocorticoid deficiency 1. Last evaluated: 2018-01-13. Review status: criteria provided, single submitter. Criteria: ICSL Variant Classification Criteria 13 December 2019. Collection method: clinical testing. Allele origin: germline.
Comment: This variant was observed in the ICSL laboratory as part of a predisposition screen in an ostensibly healthy population. It had not been previously curated by ICSL or reported in the Human Gene Mutation Database (HGMD: prior to June 1st, 2018), and was therefore a candidate for classification through an automated scoring system. Utilizing variant allele frequency, disease prevalence and penetrance estimates, and inheritance mode, an automated score was calculated to assess if this variant is too frequent to cause the disease. Based on the score and internal cut-off values, a variant classified as likely benign is not then subjected to further curation. The score for this variant resulted in a classification of likely benign for this disease.